The following is an entry in ClinVar:

NM_004369.4(COL6A3):c.*663T>G

Gene: COL6A3 (collagen type VI alpha 3 chain; minus strand). Cytogenetic location: 2q37.3.
Variant type: single nucleotide variant.
Coding change: c.*663T>G on transcript NM_004369.4 (MANE Select); 663 bases downstream of the stop codon, T replaced by G.
Molecular consequence: 3 prime UTR variant.
Genome position (GRCh38, 1-based): chr2:237,324,111, A>C on the plus strand (T>G on the coding strand, the complement: COL6A3 is on the minus strand). VCF-style: chr2-237324111-A-C. GRCh37 (hg19) VCF-style: chr2-238232754-A-C.
Other names: c.*663T>G (NM_057166.5, NM_057167.4).
Identifiers: ClinVar variation 335090 (VCV000335090.5), dbSNP rs184900191, ClinGen allele CA10614646.
Genomic context (GRCh38, chr2:237,324,111, plus strand): 5'-TGTATAAATTTCCTAAACATTTTAAAATTAAAATTAAATCCCCTCCCTCCAGCACACACA[A>C]AAAAAAAACACACAACATTAGAGGAATGCCAAAAATATTCTCTATTACAACTTTTTTAAA-3'

ClinVar aggregate classification (germline): Benign (1 of 4 stars; one submission).

Conditions:
Collagen 6-related myopathy. Identifiers: MedGen CN117976, MONDO:0100225.

Allele frequency attached by ClinVar (database versions not stated): gnomAD 0.00457 and 0.00488; 1000 Genomes Project 30x 0.00437; 1000 Genomes Project 0.00359; TOPMed 0.00567.

Submission:

Illumina Laboratory Services, Illumina
Classification: Benign for Collagen VI-related myopathy. Last evaluated: 2018-01-12. Review status: criteria provided, single submitter. Criteria: ICSL Variant Classification Criteria 13 December 2019. Collection method: clinical testing. Allele origin: germline.
Comment: This variant was observed in the ICSL laboratory as part of a predisposition screen in an ostensibly healthy population. It had not been previously curated by ICSL or reported in the Human Gene Mutation Database (HGMD: prior to June 1st, 2018), and was therefore a candidate for classification through an automated scoring system. Utilizing variant allele frequency, disease prevalence and penetrance estimates, and inheritance mode, an automated score was calculated to assess if this variant is too frequent to cause the disease. Based on the score and internal cut-off values, a variant classified as benign is not then subjected to further curation. The score for this variant resulted in a classification of benign for this disease.